The following is an entry in ClinVar:

ClinVar aggregate classification (germline): Uncertain significance (1 of 4 stars; one submission).

gnomAD v4.1: 3 of 1,611,796 alleles (0.00019%); highest among the groups gnomAD compares: Admixed American, 0.005%; no homozygotes.

Submission:

Labcorp Genetics (formerly Invitae), Labcorp
Classification: Uncertain significance. Last evaluated: 2022-07-30. Review status: criteria provided, single submitter. Criteria: Invitae Variant Classification Sherloc (09022015). Collection method: clinical testing. Allele origin: germline.
Comment: In summary, the available evidence is currently insufficient to determine the role of this variant in disease. Therefore, it has been classified as a Variant of Uncertain Significance. Algorithms developed to predict the effect of missense changes on protein structure and function are either unavailable or do not agree on the potential impact of this missense change (SIFT: "Tolerated"; PolyPhen-2: "Possibly Damaging"; Align-GVGD: "Class C15"). This variant has not been reported in the literature in individuals affected with GALNT3-related conditions. This variant is present in population databases (no rsID available, gnomAD 0.003%). This sequence change replaces arginine, which is basic and polar, with leucine, which is neutral and non-polar, at codon 479 of the GALNT3 protein (p.Arg479Leu).

NM_004482.4(GALNT3):c.1436G>T (p.Arg479Leu)

Gene: GALNT3 (polypeptide N-acetylgalactosaminyltransferase 3; minus strand). Cytogenetic location: 2q24.3.
Variant type: single nucleotide variant.
Coding change: c.1436G>T on transcript NM_004482.4 (MANE Select); coding-DNA position 1436, G replaced by T.
Protein change: p.Arg479Leu; replaces arginine 479 with leucine.
Molecular consequence: missense variant.
Genome position (GRCh38, 1-based): chr2:165,755,020, C>A on the plus strand (G>T on the coding strand, the complement: GALNT3 is on the minus strand). VCF-style: chr2-165755020-C-A. GRCh37 (hg19) VCF-style: chr2-166611530-C-A.
Other names: short protein forms R479L.
Identifiers: ClinVar variation 1968204 (VCV001968204.5), dbSNP rs767939917, ClinGen allele CA349033274.
Genomic context (GRCh38, chr2:165,755,020, plus strand): 5'-GGCACATACACCTCTGGATAAATGTTGTTCAGATACCATGTAAAATTTTTACACTGAAGG[C>A]GGTGTTTTATTTCAAATCTTTTTGAAAGATCACCAAATGCTTTCTGTAGAAACATGAGAA-3'
Protein context (NP_004473.2, residues 469-489): DLSKRFEIKH[Arg479Leu]LQCKNFTWYL